The following is an entry in ClinVar:

NM_000372.5(TYR):c.614C>T (p.Pro205Leu)

Gene: TYR (tyrosinase; plus strand). Cytogenetic location: 11q14.3.
Variant type: single nucleotide variant.
Coding change: c.614C>T on transcript NM_000372.5 (MANE Select); coding-DNA position 614, C replaced by T.
Protein change: p.Pro205Leu; replaces proline 205 with leucine.
Molecular consequence: missense variant.
Genome position (GRCh38, 1-based): chr11:89,178,567, C>T. VCF-style: chr11-89178567-C-T. GRCh37 (hg19) VCF-style: chr11-88911735-C-T.
Other names: short protein forms P205L.
Identifiers: ClinVar variation 2578665 (VCV002578665.25), dbSNP rs2496530076, ClinGen allele CA382034979.

ClinVar aggregate classification (germline): Likely pathogenic (1 of 4 stars; one submission).

Submission:

CeGaT Center for Human Genetics Tuebingen
Classification: Likely pathogenic. Last evaluated: 2023-07-01. Review status: criteria provided, single submitter. Criteria: CeGaT Center For Human Genetics Tuebingen Variant Classification Criteria Version 2. Collection method: clinical testing. Allele origin: germline. Affected: yes. Observed: 1 variant allele.
Comment: TYR: PM1, PM2, PM5, PM3:Supporting, PP2, PP4